The following is an entry in ClinVar:

NM_001378454.1(ALMS1):c.359_360del (p.Ile120fs)

Gene: ALMS1 (ALMS1 centrosome and basal body associated protein; plus strand). Cytogenetic location: 2p13.1.
Variant type: Deletion.
Coding change: c.359_360del on transcript NM_001378454.1 (MANE Select); coding-DNA positions 359 to 360, 2 bases deleted (TA; older notation c.359_360delTA).
Protein change: p.Ile120fs; shifts the reading frame from isoleucine 120.
Molecular consequence: frameshift variant.
Genome position (GRCh38, 1-based): chr2:73,408,656-73,408,657, TA deleted; deleting any 2 consecutive bases within chr2:73,408,655-73,408,657 gives the same sequence; the c. name uses the placement nearest the transcript's 3' end. VCF-style (leftmost placement, unchanged base first): chr2-73408654-GAT-G. GRCh37 (hg19) VCF-style: chr2-73635782-GAT-G.
Other names: c.362_363del, p.Ile121fs (NM_015120.4); c.362_363delTA (NM_015120.4); short protein forms I120fs.
Identifiers: ClinVar variation 557521 (VCV000557521.8), dbSNP rs1553398842, ClinGen allele CA658822814.

ClinVar aggregate classification (germline): Pathogenic. Review status: criteria provided, single submitter (1 of 4 stars). 2 submissions from 2 submitters: Pathogenic (1). 1 of the submissions does not count toward it. Last evaluated 2018-12-27.

Conditions:
Alstrom syndrome (ALMS). Identifiers: Orphanet 64, MedGen C0268425, MONDO:0008763, OMIM 203800.

Submissions (2):

Labcorp Genetics (formerly Invitae), Labcorp
Classification: Pathogenic for Alstrom syndrome. Last evaluated: 2018-12-27. Review status: criteria provided, single submitter. Criteria: Invitae Variant Classification Sherloc (09022015). Collection method: clinical testing. Allele origin: germline.
Comment: Loss-of-function variants in ALMS1 are known to be pathogenic (PMID: 17594715). This variant has not been reported in the literature in individuals with ALMS1-related conditions. ClinVar contains an entry for this variant (Variation ID: 557521). This variant is not present in population databases (ExAC no frequency). This sequence change creates a premature translational stop signal (p.Ile121Serfs*6) in the ALMS1 gene. It is expected to result in an absent or disrupted protein product. For these reasons, this variant has been classified as Pathogenic.

Counsyl
Classification: Likely pathogenic for Alstrom syndrome. Last evaluated: 2018-03-28. Review status: no assertion criteria provided. Collection method: clinical testing. Allele origin: unknown. Not counted in ClinVar's aggregate classification.

Literature cited by the submitters: PubMed 17594715 (cited by Labcorp Genetics (formerly Invitae), Labcorp).